The following is an entry in ClinVar:

NM_013266.4(CTNNA3):c.2472G>A (p.Met824Ile)

Gene: CTNNA3 (catenin alpha 3; minus strand). Cytogenetic location: 10q21.3.
Variant type: single nucleotide variant.
Coding change: c.2472G>A on transcript NM_013266.4 (MANE Select); coding-DNA position 2472, G replaced by A.
Protein change: p.Met824Ile; replaces methionine 824 with isoleucine.
Molecular consequence: missense variant.
Genome position (GRCh38, 1-based): chr10:65,920,546, C>T on the plus strand (G>A on the coding strand, the complement: CTNNA3 is on the minus strand). VCF-style: chr10-65920546-C-T. GRCh37 (hg19) VCF-style: chr10-67680304-C-T.
Other names: c.2472G>A, p.Met824Ile (NM_001127384.3); c.2472G>A (NM_013266.2); short protein forms M824I.
Identifiers: ClinVar variation 2163663 (VCV002163663.6), dbSNP rs751291562, ClinGen allele CA5519574.
Genomic context (GRCh38, chr10:65,920,546, plus strand): 5'-TGGGTGCCGGGGCCCAGCAGGACTCTGGATTCGGATGATCTTGGTTGAGGCAATGTAAGA[C>T]ATTTTCACTGTTTGCACTACAGCATTCATTAAATTTTTGGCTGCTTGGATCAGGGATGTG-3'
Protein context (NP_037398.2, residues 814-834): LMNAVVQTVK[Met824Ile]SYIASTKIIR

ClinVar aggregate classification (germline): Uncertain significance. Review status: criteria provided, multiple submitters, no conflicts (2 of 4 stars). 3 submissions from 3 submitters: Uncertain significance (3). Last evaluated 2024-02-27.

Conditions:
Arrhythmogenic right ventricular dysplasia 13. Also called: ARRHYTHMOGENIC RIGHT VENTRICULAR CARDIOMYOPATHY 13; Arrhythmogenic right ventricular dysplasia, familial, 13. Identifiers: MedGen C3810138, MONDO:0000908, OMIM 615616.

Allele frequency attached by ClinVar (database versions not stated): TOPMed below 0.00001; ExAC 0.00002; gnomAD exomes 0.00002.
gnomAD v4.1: 36 of 1,614,166 alleles (0.0022%); highest among the groups gnomAD compares: Non-Finnish European, 0.0027%; no homozygotes.

Submissions (3):

Blueprint Genetics
Classification: Uncertain significance. Last evaluated: 2024-02-27. Review status: criteria provided, single submitter. Criteria: ACMG Guidelines, 2015. Collection method: clinical testing. Allele origin: germline.

Ambry Genetics
Classification: Uncertain significance. Last evaluated: 2023-12-31. Review status: criteria provided, single submitter. Criteria: Ambry Variant Classification Scheme 2023. Collection method: clinical testing. Allele origin: germline.
Comment: The p.M824I variant (also known as c.2472G>A), located in coding exon 17 of the CTNNA3 gene, results from a G to A substitution at nucleotide position 2472. The methionine at codon 824 is replaced by isoleucine, an amino acid with highly similar properties. This amino acid position is conserved. In addition, this alteration is predicted to be tolerated by in silico analysis. Since supporting evidence is limited at this time, the clinical significance of this alteration remains unclear.

Labcorp Genetics (formerly Invitae), Labcorp
Classification: Uncertain significance for Arrhythmogenic right ventricular dysplasia 13. Last evaluated: 2023-08-07. Review status: criteria provided, single submitter. Criteria: Invitae Variant Classification Sherloc (09022015). Collection method: clinical testing. Allele origin: germline.
Comment: This sequence change replaces methionine, which is neutral and non-polar, with isoleucine, which is neutral and non-polar, at codon 824 of the CTNNA3 protein (p.Met824Ile). This variant is present in population databases (rs751291562, gnomAD 0.003%). This variant has not been reported in the literature in individuals affected with CTNNA3-related conditions. ClinVar contains an entry for this variant (Variation ID: 2163663). Advanced modeling of protein sequence and biophysical properties (such as structural, functional, and spatial information, amino acid conservation, physicochemical variation, residue mobility, and thermodynamic stability) performed at Invitae indicates that this missense variant is not expected to disrupt CTNNA3 protein function. In summary, the available evidence is currently insufficient to determine the role of this variant in disease. Therefore, it has been classified as a Variant of Uncertain Significance.